The following is an entry in ClinVar:

NM_000275.3(OCA2):c.2079+5G>T

Gene: OCA2 (OCA2 melanosomal transmembrane protein; minus strand). Cytogenetic location: 15q13.1.
Variant type: single nucleotide variant.
Coding change: c.2079+5G>T on transcript NM_000275.3 (MANE Select); 5 bases into the intron after coding-DNA position 2079, G replaced by T.
Molecular consequence: intron variant.
Genome position (GRCh38, 1-based): chr15:27,926,122, C>A on the plus strand (G>T on the coding strand, the complement: OCA2 is on the minus strand). VCF-style: chr15-27926122-C-A. GRCh37 (hg19) VCF-style: chr15-28171268-C-A.
Other names: c.2007+5G>T (NM_001300984.2).
Identifiers: ClinVar variation 1305644 (VCV001305644.7), dbSNP rs745930102, ClinGen allele CA616704964.

ClinVar aggregate classification (germline): Conflicting classifications of pathogenicity. Review status: criteria provided, conflicting classifications (1 of 4 stars). 2 submissions from 2 submitters: Likely pathogenic (1); Uncertain significance (1). Last evaluated 2024-02-26.

Allele frequency attached by ClinVar (database versions not stated): gnomAD exomes 0.00001.
gnomAD v4.1: 3 of 1,614,062 alleles (0.00019%); highest among the groups gnomAD compares: South Asian, 0.0033%; no homozygotes.

Submissions (2):

Labcorp Genetics (formerly Invitae), Labcorp
Classification: Likely pathogenic. Last evaluated: 2024-02-26. Review status: criteria provided, single submitter. Criteria: Invitae Variant Classification Sherloc (09022015). Collection method: clinical testing. Allele origin: germline.
Comment: This sequence change falls in intron 19 of the OCA2 gene. It does not directly change the encoded amino acid sequence of the OCA2 protein. It affects a nucleotide within the consensus splice site. This variant is present in population databases (no rsID available, gnomAD 0.003%). This variant has been observed in individual(s) with oculocutaneous albinism (Invitae). In at least one individual the data is consistent with being in trans (on the opposite chromosome) from a pathogenic variant. ClinVar contains an entry for this variant (Variation ID: 1305644). Variants that disrupt the consensus splice site are a relatively common cause of aberrant splicing (PMID: 17576681, 9536098). Algorithms developed to predict the effect of sequence changes on RNA splicing suggest that this variant is not likely to affect RNA splicing. In summary, the currently available evidence indicates that the variant is pathogenic, but additional data are needed to prove that conclusively. Therefore, this variant has been classified as Likely Pathogenic.

GeneDx
Classification: Uncertain significance. Last evaluated: 2019-05-14. Review status: criteria provided, single submitter. Criteria: GeneDx Variant Classification Process June 2021. Collection method: clinical testing. Allele origin: germline. Affected: yes.
Comment: Has not been previously published as pathogenic or benign to our knowledge; In-silico analysis, which includes splice predictors and evolutionary conservation, is inconclusive as to whether the variant alters gene splicing. In the absence of RNA/functional studies, the actual effect of this sequence change is unknown.

Literature cited by the submitters: PubMed 17576681 (cited by Labcorp Genetics (formerly Invitae), Labcorp); PubMed 9536098 (cited by Labcorp Genetics (formerly Invitae), Labcorp).